The following is an entry in ClinVar:

ClinVar aggregate classification (germline): Uncertain significance (1 of 4 stars; one submission).

Submission:

Women's Health and Genetics/Laboratory Corporation of America, LabCorp
Classification: Uncertain significance. Last evaluated: 2025-11-05. Review status: criteria provided, single submitter. Criteria: LabCorp Variant Classification Summary - May 2015. Collection method: clinical testing. Allele origin: germline.
Comment: Variant summary: APP c.243G>C (p.Gln81His) results in a non-conservative amino acid change in the encoded protein sequence. Algorithms developed to predict the effect of missense changes on protein structure and function all suggest that this variant is likely to be disruptive. The variant was absent in 251462 control chromosomes. The available data on variant occurrences in the general population are insufficient to allow any conclusion about variant significance. To our knowledge, no occurrence of c.243G>C in individuals affected with APP-related conditions and no experimental evidence demonstrating its impact on protein function have been reported. No submitters have cited clinical-significance assessments for this variant to ClinVar. Based on the evidence outlined above, the variant was classified as uncertain significance.

NM_000484.4(APP):c.243G>C (p.Gln81His)

Gene: APP (amyloid beta precursor protein; minus strand). Cytogenetic location: 21q21.3.
Variant type: single nucleotide variant.
Coding change: c.243G>C on transcript NM_000484.4 (MANE Select); coding-DNA position 243, G replaced by C.
Protein change: p.Gln81His; replaces glutamine 81 with histidine.
Molecular consequence: missense variant.
Genome position (GRCh38, 1-based): chr21:26,090,055, C>G on the plus strand (G>C on the coding strand, the complement: APP is on the minus strand). VCF-style: chr21-26090055-C-G. GRCh37 (hg19) VCF-style: chr21-27462371-C-G.
Other names: c.228G>C, p.Gln76His (NM_001136016.3); c.75G>C, p.Gln25His (NM_001136129.3, NM_001136130.3); c.138G>C, p.Gln46His (NM_001136131.3); c.243G>C, p.Gln81His (NM_001204301.2, NM_001204302.2, NM_001204303.2 and 3 more transcripts); short protein forms Q25H, Q46H, Q76H, Q81H.
Identifiers: ClinVar variation 4537052 (VCV004537052.1).